The following is an entry in ClinVar:

NM_001308210.2(TSHZ1):c.1472C>T (p.Ala491Val)

Genes: TSHZ1 (teashirt zinc finger homeobox 1; plus strand), LOC125371439 (Sharpr-MPRA regulatory region 9768; plus strand). Cytogenetic location: 18q22.3.
Variant type: single nucleotide variant.
Coding change: c.1472C>T on transcript NM_001308210.2 (MANE Select); coding-DNA position 1472, C replaced by T.
Protein change: p.Ala491Val; replaces alanine 491 with valine.
Molecular consequence: missense variant.
Genome position (GRCh38, 1-based): chr18:75,286,879, C>T. VCF-style: chr18-75286879-C-T. GRCh37 (hg19) VCF-style: chr18-72998834-C-T.
Other names: c.1337C>T, p.Ala446Val (NM_005786.6); c.1337C>T (NM_005786.5); short protein forms A446V, A491V.
Identifiers: ClinVar variation 3462806 (VCV003462806.2).

ClinVar aggregate classification (germline): Conflicting classifications of pathogenicity. Review status: criteria provided, conflicting classifications (1 of 4 stars). 2 submissions from 2 submitters: Uncertain significance (1); Likely benign (1). Last evaluated 2025-02-22.

Conditions:
TSHZ1-related disorder. Also called: TSHZ1-related condition.

gnomAD v4.1: 71 of 1,614,034 alleles (0.0044%); highest among the groups gnomAD compares: Admixed American, 0.073%; no homozygotes.

Submissions (2):

PreventionGenetics, part of Exact Sciences
Classification: Likely benign for TSHZ1-related condition. Last evaluated: 2025-02-22. Review status: criteria provided, single submitter. Criteria: ACMG Guidelines, 2015. Collection method: clinical testing. Allele origin: germline.
Comment: This variant is classified as likely benign based on ACMG/AMP sequence variant interpretation guidelines (Richards et al. 2015 PMID: 25741868, with internal and published modifications).

Ambry Genetics
Classification: Uncertain significance. Last evaluated: 2024-08-12. Review status: criteria provided, single submitter. Criteria: Ambry Variant Classification Scheme 2023. Collection method: clinical testing. Allele origin: germline.